The following is an entry in ClinVar:

ClinVar aggregate classification (germline): Uncertain significance (1 of 4 stars; one submission).

gnomAD v4.1: 24 of 1,613,942 alleles (0.0015%); highest among the groups gnomAD compares: Admixed American, 0.04%; no homozygotes.

Submission:

Labcorp Genetics (formerly Invitae), Labcorp
Classification: Uncertain significance. Last evaluated: 2025-07-29. Review status: criteria provided, single submitter. Criteria: Invitae Variant Classification Sherloc (09022015). Collection method: clinical testing. Allele origin: germline.
Comment: This sequence change replaces threonine, which is neutral and polar, with alanine, which is neutral and non-polar, at codon 1080 of the SPTB protein (p.Thr1080Ala). This variant is present in population databases (rs755447675, gnomAD 0.06%). This variant has not been reported in the literature in individuals affected with SPTB-related conditions. An algorithm developed to predict the effect of missense changes on protein structure and function outputs the following: PolyPhen-2: "Benign". The alanine amino acid residue is found in multiple mammalian species, which suggests that this missense change does not adversely affect protein function. In summary, the available evidence is currently insufficient to determine the role of this variant in disease. Therefore, it has been classified as a Variant of Uncertain Significance.

NM_001355436.2(SPTB):c.3238A>G (p.Thr1080Ala)

Gene: SPTB (spectrin beta, erythrocytic; minus strand). Cytogenetic location: 14q23.3.
Variant type: single nucleotide variant.
Coding change: c.3238A>G on transcript NM_001355436.2 (MANE Select); coding-DNA position 3238, A replaced by G.
Protein change: p.Thr1080Ala; replaces threonine 1080 with alanine.
Molecular consequence: missense variant.
Genome position (GRCh38, 1-based): chr14:64,786,727, T>C on the plus strand (A>G on the coding strand, the complement: SPTB is on the minus strand). VCF-style: chr14-64786727-T-C. GRCh37 (hg19) VCF-style: chr14-65253445-T-C.
Other names: c.3238A>G, p.Thr1080Ala (NM_001024858.4, NM_001355437.2); short protein forms T1080A.
Identifiers: ClinVar variation 4809478 (VCV004809478.1).